The following is an entry in ClinVar:

ClinVar aggregate classification (germline): Uncertain significance (1 of 4 stars; one submission).

Conditions:
Emery-Dreifuss muscular dystrophy 5, autosomal dominant (EDMD5). Also called: EMERY-DREIFUSS MUSCULAR DYSTROPHY 5. Identifiers: Orphanet 261, MedGen C2751805, MONDO:0013072, OMIM 612999.

Submission:

Labcorp Genetics (formerly Invitae), Labcorp
Classification: Uncertain significance for Emery-Dreifuss muscular dystrophy 5, autosomal dominant. Last evaluated: 2023-03-11. Review status: criteria provided, single submitter. Criteria: Invitae Variant Classification Sherloc (09022015). Collection method: clinical testing. Allele origin: germline.
Comment: In summary, the available evidence is currently insufficient to determine the role of this variant in disease. Therefore, it has been classified as a Variant of Uncertain Significance. An algorithm developed to predict the effect of missense changes on protein structure and function (PolyPhen-2) suggests that this variant is likely to be disruptive. ClinVar contains an entry for this variant (Variation ID: 939039). This variant has not been reported in the literature in individuals affected with SYNE2-related conditions. This variant is not present in population databases (gnomAD no frequency). This sequence change replaces leucine, which is neutral and non-polar, with valine, which is neutral and non-polar, at codon 2156 of the SYNE2 protein (p.Leu2156Val).

NM_182914.3(SYNE2):c.6466T>G (p.Leu2156Val)

Gene: SYNE2 (spectrin repeat containing nuclear envelope protein 2; plus strand). Cytogenetic location: 14q23.2.
Variant type: single nucleotide variant.
Coding change: c.6466T>G on transcript NM_182914.3 (MANE Select); coding-DNA position 6466, T replaced by G.
Protein change: p.Leu2156Val; replaces leucine 2156 with valine.
Molecular consequence: missense variant.
Genome position (GRCh38, 1-based): chr14:64,027,545, T>G. VCF-style: chr14-64027545-T-G. GRCh37 (hg19) VCF-style: chr14-64494263-T-G.
Other names: c.6466T>G, p.Leu2156Val (NM_015180.6); short protein forms L2156V.
Identifiers: ClinVar variation 939039 (VCV000939039.9), dbSNP rs2096990417, ClinGen allele CA389948760.
Genomic context (GRCh38, chr14:64,027,545, plus strand): 5'-CATCAAGAAAAGCTTCTACTAGAAGGAGAGAAATATTTACAAAGTAAGGAGGATCTGAGA[T>G]TAATGCTCATAGAACTAAAGAAGAAACAGGAAGCAGGCTTTGCTCTACAACATGGTCTGC-3'
Protein context (NP_878918.2, residues 2146-2166): KYLQSKEDLR[Leu2156Val]MLIELKKKQE